The following is an entry in ClinVar:

NM_001005273.3(CHD3):c.633G>A (p.Ala211=)

Gene: CHD3 (chromodomain helicase DNA binding protein 3; plus strand). Cytogenetic location: 17p13.1.
Variant type: single nucleotide variant.
Coding change: c.633G>A on transcript NM_001005273.3 (MANE Select); coding-DNA position 633, G replaced by A.
Protein change: p.Ala211=; no amino-acid change (alanine 211 retained).
Molecular consequence: synonymous variant.
Genome position (GRCh38, 1-based): chr17:7,893,409, G>A. VCF-style: chr17-7893409-G-A. GRCh37 (hg19) VCF-style: chr17-7796727-G-A.
Other names: c.810G>A, p.Ala270= (NM_001005271.3); c.633G>A, p.Ala211= (NM_005852.4).
Identifiers: ClinVar variation 3037427 (VCV003037427.2), dbSNP rs750749834, ClinGen allele CA8362410.

ClinVar aggregate classification (germline): Likely benign (0 of 4 stars; one submission).

Conditions:
CHD3-related disorder. Also called: CHD3-related condition.

Allele frequency attached by ClinVar (database versions not stated): gnomAD 0.00001; TOPMed 0.00003; ExAC 0.00007; gnomAD exomes 0.00008.
gnomAD v4.1: 118 of 1,611,508 alleles (0.0073%); highest among the groups gnomAD compares: East Asian, 0.23%; no homozygotes.

Submission:

PreventionGenetics, part of Exact Sciences
Classification: Likely benign for CHD3-related condition. Last evaluated: 2019-04-30. Review status: no assertion criteria provided. Collection method: clinical testing. Allele origin: germline.
Comment: This variant is classified as likely benign based on ACMG/AMP sequence variant interpretation guidelines (Richards et al. 2015 PMID: 25741868, with internal and published modifications).